The following is an entry in ClinVar:

NM_017780.4(CHD7):c.4850G>A (p.Gly1617Asp)

Gene: CHD7 (chromodomain helicase DNA binding protein 7; plus strand). Cytogenetic location: 8q12.2.
Variant type: single nucleotide variant.
Coding change: c.4850G>A on transcript NM_017780.4 (MANE Select); coding-DNA position 4850, G replaced by A.
Protein change: p.Gly1617Asp; replaces glycine 1617 with aspartic acid.
Molecular consequence: missense variant. On other transcripts: intron variant (1).
Genome position (GRCh38, 1-based): chr8:60,842,052, G>A. VCF-style: chr8-60842052-G-A. GRCh37 (hg19) VCF-style: chr8-61754611-G-A.
Other names: c.1717-20177G>A (NM_001316690.1); short protein forms G1617D.
Identifiers: ClinVar variation 1005390 (VCV001005390.9), dbSNP rs1804999304, ClinGen allele CA371319713.

ClinVar aggregate classification (germline): Uncertain significance (1 of 4 stars; one submission).

Conditions:
CHARGE syndrome (CHARGE). Also called: Hittner Hirsch Kreh syndrome; Coloboma, heart anomaly, choanal atresia, retardation, genital and ear anomalies; CHARGE association; Hall-Hittner syndrome; CHARGE ASSOCIATION--COLOBOMA, HEART ANOMALY, CHOANAL ATRESIA, RETARDATION, GENITAL AND EAR ANOMALIES. Identifiers: Orphanet 138, MedGen C0265354, MONDO:0008965.

Submission:

Labcorp Genetics (formerly Invitae), Labcorp
Classification: Uncertain significance for CHARGE syndrome. Last evaluated: 2020-02-02. Review status: criteria provided, single submitter. Criteria: Invitae Variant Classification Sherloc (09022015). Collection method: clinical testing. Allele origin: germline.
Comment: In summary, the available evidence is currently insufficient to determine the role of this variant in disease. Therefore, it has been classified as a Variant of Uncertain Significance. Nucleotide substitutions within the consensus splice site are a relatively common cause of aberrant splicing (PMID: 17576681, 9536098). Algorithms developed to predict the effect of missense changes on protein structure and function (SIFT, PolyPhen-2, Align-GVGD) all suggest that this variant is likely to be disruptive, but these predictions have not been confirmed by published functional studies and their clinical significance is uncertain. This variant has been observed in individual(s) with clinical features of CHARGE syndrome (Invitae). This variant is not present in population databases (ExAC no frequency). This sequence change replaces glycine with aspartic acid at codon 1617 of the CHD7 protein (p.Gly1617Asp). The glycine residue is highly conserved and there is a moderate physicochemical difference between glycine and aspartic acid. This variant also falls at the last nucleotide of exon 21 of the CHD7 coding sequence, which is part of the consensus splice site for this exon.

Literature cited by the submitters: PubMed 17576681; PubMed 9536098.